The following is an entry in ClinVar:

NM_005333.5(HCCS):c.252+5T>G

Gene: HCCS (holocytochrome c synthase; plus strand). Cytogenetic location: Xp22.2.
Variant type: single nucleotide variant.
Coding change: c.252+5T>G on transcript NM_005333.5 (MANE Select); 5 bases into the intron after coding-DNA position 252, T replaced by G.
Molecular consequence: intron variant.
Genome position (GRCh38, 1-based): chrX:11,114,991, T>G. VCF-style: chrX-11114991-T-G. GRCh37 (hg19) VCF-style: chrX-11133111-T-G.
Other names: c.252+5T>G (NM_001122608.3, NM_001171991.3).
Identifiers: ClinVar variation 1338168 (VCV001338168.5), dbSNP rs1048782160, ClinGen allele CA326669725.

ClinVar aggregate classification (germline): Conflicting classifications of pathogenicity. Review status: criteria provided, conflicting classifications (1 of 4 stars). 2 submissions from 2 submitters: Uncertain significance (1); Likely benign (1). Last evaluated 2024-11-07.

Allele frequency attached by ClinVar (database versions not stated): gnomAD exomes 0.00001.

Submissions (2):

Blueprint Genetics
Classification: Likely benign. Last evaluated: 2024-11-07. Review status: criteria provided, single submitter. Criteria: ACMG Guidelines, 2015. Collection method: clinical testing. Allele origin: germline.

Genetic Services Laboratory, University of Chicago
Classification: Uncertain significance. Last evaluated: 2021-12-13. Review status: criteria provided, single submitter. Criteria: ACMG Guidelines, 2015. Collection method: clinical testing. Allele origin: germline. Affected: no.
Comment: DNA sequence analysis of the HCCS gene demonstrated a sequence change in intron 3, c.252+5T>G. This sequence change has been described in the gnomAD database in a single individual in the hemizygous state which corresponds to a population frequency of 0.00055%% (dbSNP rs1048782160). In-silico splice prediction programs provide inconclusive results for this sequence change. This change does not appear to have been previously described in individuals with HCCS-related disorders. It is possible that this sequence change represents a benign sequence change in the HCCS gene that has not been identified to date. The functional significance of this sequence change is not known at present and its contribution to this individual's disease phenotype cannot definitively be determined.